The following is an entry in ClinVar:

NM_000179.3(MSH6):c.2552G>A (p.Ser851Asn)

Gene: MSH6 (mutS homolog 6; plus strand). Cytogenetic location: 2p16.3.
Variant type: single nucleotide variant.
Coding change: c.2552G>A on transcript NM_000179.3 (MANE Select); coding-DNA position 2552, G replaced by A.
Protein change: p.Ser851Asn; replaces serine 851 with asparagine.
Molecular consequence: missense variant.
Genome position (GRCh38, 1-based): chr2:47,800,535, G>A. VCF-style: chr2-47800535-G-A. GRCh37 (hg19) VCF-style: chr2-48027674-G-A.
Other names: c.1646G>A, p.Ser549Asn (NM_001406811.1, NM_001406814.1, NM_001406815.1 and 6 more transcripts); c.2558G>A, p.Ser853Asn (NM_001406813.1); c.2255G>A, p.Ser752Asn (NM_001406818.1, NM_001406797.1, NM_001406801.1 and 10 more transcripts); c.2162G>A, p.Ser721Asn (NM_001281492.2); c.2648G>A, p.Ser883Asn (NM_001406795.1, NM_001406802.1); c.2552G>A, p.Ser851Asn (NM_001406796.1, NM_001406798.1, NM_001406800.1 and 2 more transcripts); c.2027G>A, p.Ser676Asn (NM_001406799.1, NM_001406806.1, NM_001406807.1); c.2474G>A, p.Ser825Asn (NM_001406804.1); and 1 more; short protein forms S721N, S851N, S853N, S549N, S795N, S825N, S676N, S752N.
Identifiers: ClinVar variation 1792968 (VCV001792968.2), dbSNP rs2104412277, ClinGen allele CA346754572.

ClinVar aggregate classification (germline): Uncertain significance (1 of 4 stars; one submission).

Conditions:
Hereditary cancer-predisposing syndrome. Also called: Tumor predisposition; Hereditary Cancer Syndrome; Neoplastic Syndromes, Hereditary; Hereditary neoplastic syndrome. Identifiers: Orphanet 140162, MedGen C0027672, MeSH D009386, MONDO:0015356.

Submission:

Ambry Genetics
Classification: Uncertain significance for Hereditary cancer-predisposing syndrome. Last evaluated: 2019-03-30. Review status: criteria provided, single submitter. Criteria: Ambry Variant Classification Scheme 2023. Collection method: clinical testing. Allele origin: germline.
Comment: The p.S851N variant (also known as c.2552G>A), located in coding exon 4 of the MSH6 gene, results from a G to A substitution at nucleotide position 2552. The serine at codon 851 is replaced by asparagine, an amino acid with highly similar properties. This amino acid position is highly conserved in available vertebrate species. In addition, the in silico prediction for this alteration is inconclusive. In addition, the CoDP in silico tool predicts this alteration to have minor impact on molecular function, with a score of 0.348 (Terui H et al. J. Biomed. Sci. 2013 Apr;20:25). Since supporting evidence is limited at this time, the clinical significance of this alteration remains unclear.